The following is an entry in ClinVar:

ClinVar aggregate classification (germline): Uncertain significance (1 of 4 stars; one submission).

Conditions:
Hypertrophic cardiomyopathy. Also called: HYPERTROPHIC MYOCARDIOPATHY. Identifiers: Orphanet 217569, MedGen C0007194, MeSH D002312, MONDO:0005045, HP:0001639.

gnomAD v4.1: 4 of 1,613,642 alleles (0.00025%); highest among the groups gnomAD compares: Non-Finnish European, 0.00034%; no homozygotes.

Submission:

Labcorp Genetics (formerly Invitae), Labcorp
Classification: Uncertain significance for Hypertrophic cardiomyopathy. Last evaluated: 2025-02-12. Review status: criteria provided, single submitter. Criteria: Invitae Variant Classification Sherloc (09022015). Collection method: clinical testing. Allele origin: germline.
Comment: This sequence change replaces lysine, which is basic and polar, with glutamine, which is neutral and polar, at codon 675 of the MYOM1 protein (p.Lys675Gln). This variant is not present in population databases (gnomAD no frequency). This variant has not been reported in the literature in individuals affected with MYOM1-related conditions. An algorithm developed to predict the effect of missense changes on protein structure and function (PolyPhen-2) suggests that this variant is likely to be disruptive. In summary, the available evidence is currently insufficient to determine the role of this variant in disease. Therefore, it has been classified as a Variant of Uncertain Significance.

NM_003803.4(MYOM1):c.2023A>C (p.Lys675Gln)

Gene: MYOM1 (myomesin 1; minus strand). Cytogenetic location: 18p11.31.
Variant type: single nucleotide variant.
Coding change: c.2023A>C on transcript NM_003803.4 (MANE Select); coding-DNA position 2023, A replaced by C.
Protein change: p.Lys675Gln; replaces lysine 675 with glutamine.
Molecular consequence: missense variant.
Genome position (GRCh38, 1-based): chr18:3,141,941, T>G on the plus strand (A>C on the coding strand, the complement: MYOM1 is on the minus strand). VCF-style: chr18-3141941-T-G. GRCh37 (hg19) VCF-style: chr18-3141939-T-G.
Other names: c.2023A>C, p.Lys675Gln (NM_019856.2); short protein forms K675Q.
Identifiers: ClinVar variation 4773679 (VCV004773679.1).
Genomic context (GRCh38, chr18:3,141,941, plus strand): 5'-CTTTTCTAAAGAAATCCTTAGGAGGTAGTATGAGGTCATGTTGATTCTAGAGTCTTACCT[T>G]TTCCACAAAGTACATAATGCCCTCATGACCACGCTGGCCAGGGGGCTTCCAGCTGAGCAC-3'
Protein context (NP_003794.3, residues 665-685): GHEGIMYFVE[Lys675Gln]CEAGTENWQR